The following is an entry in ClinVar:

NM_000548.5(TSC2):c.3421G>A (p.Ala1141Thr)

Gene: TSC2 (TSC complex subunit 2; plus strand). Cytogenetic location: 16p13.3.
Variant type: single nucleotide variant.
Coding change: c.3421G>A on transcript NM_000548.5 (MANE Select); coding-DNA position 3421, G replaced by A.
Protein change: p.Ala1141Thr; replaces alanine 1141 with threonine.
Molecular consequence: missense variant.
Genome position (GRCh38, 1-based): chr16:2,080,188, G>A. VCF-style: chr16-2080188-G-A. GRCh37 (hg19) VCF-style: chr16-2130189-G-A.
Other names: p.A1141T:GCC>ACC; c.3289G>A, p.Ala1097Thr (NM_001077183.3, NM_001370404.1); c.3421G>A, p.Ala1141Thr (NM_001114382.3); c.3181G>A, p.Ala1061Thr (NM_001318827.2); c.3145G>A, p.Ala1049Thr (NM_001318829.2); c.2689G>A, p.Ala897Thr (NM_001318831.2); c.3322G>A, p.Ala1108Thr (NM_001318832.2); c.3292G>A, p.Ala1098Thr (NM_001363528.2, NM_001370405.1, NM_021055.3); short protein forms A1141T, A1097T, A1098T, A1108T, A897T, A1049T, A1061T.
Identifiers: ClinVar variation 49258 (VCV000049258.51), dbSNP rs45505895, ClinGen allele CA019136.

ClinVar aggregate classification (germline): Benign/Likely benign. Review status: criteria provided, multiple submitters, no conflicts (2 of 4 stars). 13 submissions from 13 submitters: Benign (6); Likely benign (5). 2 of the submissions do not count toward it. Last evaluated 2026-02-03.

Conditions:
Hereditary cancer-predisposing syndrome. Also called: Hereditary Cancer Syndrome; Tumor predisposition; Neoplastic Syndromes, Hereditary; Hereditary neoplastic syndrome. Identifiers: Orphanet 140162, MedGen C0027672, MeSH D009386, MONDO:0015356.
Tuberous sclerosis syndrome (TSC). Also called: Tuberous Sclerosis Complex; Tuberous sclerosis. Identifiers: Orphanet 805, MedGen C0041341, MONDO:0001734.
Tuberous sclerosis 2 (TSC2). Identifiers: Orphanet 805, MedGen C1860707, MONDO:0013199, OMIM 613254.

Allele frequency attached by ClinVar (database versions not stated): ExAC 0.00048; gnomAD exomes 0.00048 and 0.00012; ESP Exome Variant Server 0.00008; gnomAD 0.00016 and 0.00018; 1000 Genomes Project 0.00020; TOPMed 0.00025; 1000 Genomes Project 30x 0.00031.
gnomAD v4.1: 200 of 1,612,936 alleles (0.012%); highest among the groups gnomAD compares: East Asian, 0.25%; 1 homozygote.

Submissions (13):

Labcorp Genetics (formerly Invitae), Labcorp
Classification: Benign for Tuberous sclerosis 2. Last evaluated: 2026-02-03. Review status: criteria provided, single submitter. Criteria: Invitae Variant Classification Sherloc (09022015). Collection method: clinical testing. Allele origin: germline.

Myriad Genetics, Inc.
Classification: Likely benign for Tuberous sclerosis 2. Last evaluated: 2025-05-29. Review status: criteria provided, single submitter. Criteria: Myriad Autosomal Dominant, Autosomal Recessive and X-Linked Classification Criteria (2023). Collection method: clinical testing. Allele origin: unknown.
Comment: This variant is considered likely benign. This variant has been observed at a population frequency that is significantly greater than expected given the associated disease prevalence and penetrance.

Blueprint Genetics
Classification: Likely benign. Last evaluated: 2024-03-22. Review status: criteria provided, single submitter. Criteria: ACMG Guidelines, 2015. Collection method: clinical testing. Allele origin: germline.

Color Diagnostics, LLC DBA Color Health
Classification: Benign for Tuberous sclerosis syndrome. Last evaluated: 2022-10-02. Review status: criteria provided, single submitter. Criteria: ACMG Guidelines, 2015. Collection method: clinical testing. Allele origin: germline.

CeGaT Center for Human Genetics Tuebingen
Classification: Likely benign. Last evaluated: 2022-04-01. Review status: criteria provided, single submitter. Criteria: CeGaT Center For Human Genetics Tuebingen Variant Classification Criteria Version 2. Collection method: clinical testing. Allele origin: germline. Affected: yes. Observed: 1 variant allele.
Comment: TSC2: BP4

Genome-Nilou Lab
Classification: Benign for Tuberous sclerosis 2. Last evaluated: 2021-11-07. Review status: criteria provided, single submitter. Criteria: ACMG Guidelines, 2015. Collection method: clinical testing. Allele origin: germline. Affected: no.

GeneDx
Classification: Benign. Last evaluated: 2021-02-05. Review status: criteria provided, single submitter. Criteria: GeneDx Variant Classification Process June 2021. Collection method: clinical testing. Allele origin: germline. Affected: yes.
Comment: This variant is associated with the following publications: (PMID: 24055113, 25637381, 16981987, 25724664, 32211034)

Sema4
Classification: Benign for Hereditary cancer-predisposing syndrome. Last evaluated: 2020-03-26. Review status: criteria provided, single submitter. Criteria: Sema4 Curation Guidelines. Collection method: curation. Allele origin: germline.

Mendelics
Classification: Benign for Tuberous sclerosis 2. Last evaluated: 2019-05-28. Review status: criteria provided, single submitter. Criteria: Mendelics Assertion Criteria 2017. Collection method: clinical testing. Allele origin: unknown.

Ambry Genetics
Classification: Likely benign for Hereditary cancer-predisposing syndrome. Last evaluated: 2018-02-22. Review status: criteria provided, single submitter. Criteria: Ambry Variant Classification Scheme 2023. Collection method: clinical testing. Allele origin: germline.

Laboratory for Molecular Medicine, Mass General Brigham Personalized Medicine
Classification: Likely benign. Last evaluated: 2015-10-12. Review status: criteria provided, single submitter. Criteria: LMM Criteria. Collection method: clinical testing. Allele origin: germline. Observed: 1 variant allele.
Comment: p.Ala1141Thr in exon 30 of TSC2: This variant is not expected to have clinical s ignificance due to a lack of conservation across species, including mammals. Of note, five mammals (squirrel monkey, pig, ferret, hedgehog,and tasmanian devil) have a threonine (T) at this position. Additionally, it has been identified in 0 .6% (50/8590) of East Asian chromosomes by the Exome Aggregation Consortium (ExA C,, dbSNP rs45505895).

CSER _CC_NCGL, University of Washington
Classification: Uncertain significance for Tuberous sclerosis. Last evaluated: 2014-06-01. Review status: no assertion criteria provided. Collection method: research. Allele origin: germline. Inheritance: Autosomal dominant inheritance. Study: ESP 6500 variant annotation. Not counted in ClinVar's aggregate classification.
Comment: Variants classified for the Actionable exomic incidental findings in 6503 participants: challenges of variant classification manuscript

Tuberous sclerosis database (TSC2)
No classification provided. Condition: TSC. Review status: no classification provided. Criteria: Tuberous Sclerosis Database Assertion Criteria 2015. Collection method: curation. Allele origin: germline. Affected: yes. Not counted in ClinVar's aggregate classification.

Literature cited by the submitters: PubMed 16981987 (cited by Laboratory for Molecular Medicine, Mass General Brigham Personalized Medicine).